The following is an entry in ClinVar:

ClinVar aggregate classification (germline): Uncertain significance. Review status: criteria provided, multiple submitters, no conflicts (2 of 4 stars). 2 submissions from 2 submitters: Uncertain significance (2). Last evaluated 2026-01-05.

Conditions:
Hereditary cancer-predisposing syndrome. Also called: Tumor predisposition; Neoplastic Syndromes, Hereditary; Hereditary Cancer Syndrome; Hereditary neoplastic syndrome. Identifiers: Orphanet 140162, MedGen C0027672, MeSH D009386, MONDO:0015356.
POLD1-related polyposis and colorectal cancer syndrome (CRCS10). Also called: Colorectal cancer 10; COLORECTAL CANCER, SUSCEPTIBILITY TO, ON CHROMOSOME 19q; Colorectal cancer, susceptibility to, 10. Identifiers: Orphanet 220460, MedGen C2675481, MONDO:0012953, OMIM 612591.

Submissions (2):

Labcorp Genetics (formerly Invitae), Labcorp
Classification: Uncertain significance for POLD1-related polyposis and colorectal cancer syndrome. Last evaluated: 2026-01-05. Review status: criteria provided, single submitter. Criteria: Invitae Variant Classification Sherloc (09022015). Collection method: clinical testing. Allele origin: germline.
Comment: This variant, c.80_82dup, results in the insertion of 1 amino acid(s) of the POLD1 protein (p.Asp27dup), but otherwise preserves the integrity of the reading frame. This variant is present in population databases (no rsID available, gnomAD 0.001%). This variant has not been reported in the literature in individuals affected with POLD1-related conditions. ClinVar contains an entry for this variant (Variation ID: 537054). Experimental studies and prediction algorithms are not available or were not evaluated, and the functional significance of this variant is currently unknown. In summary, the available evidence is currently insufficient to determine the role of this variant in disease. Therefore, it has been classified as a Variant of Uncertain Significance.

Ambry Genetics
Classification: Uncertain significance for Hereditary cancer-predisposing syndrome. Last evaluated: 2025-01-19. Review status: criteria provided, single submitter. Criteria: Ambry Variant Classification Scheme 2023. Collection method: clinical testing. Allele origin: germline.
Comment: The c.80_82dupATG variant (also known as p.D27dup), located in coding exon 1 of the POLD1 gene, results from an in-frame duplication of ATG at nucleotide positions 80 to 82. This results in the duplication of an extra aspartic acid residue between codons 27 and 28. This amino acid position is poorly conserved in available vertebrate species. In addition, this alteration is predicted to be neutral by in silico analysis (Choi Y et al. PLoS ONE. 2012; 7(10):e46688). Based on the available evidence, the clinical significance of this variant remains unclear.

NM_002691.4(POLD1):c.71ATG[5] (p.Asp27dup)

Gene: POLD1 (DNA polymerase delta 1, catalytic subunit; plus strand). Cytogenetic location: 19q13.33.
Variant type: Microsatellite.
Coding change: c.71ATG[5] on transcript NM_002691.4 (MANE Select); five copies in a row of the 3-base unit ATG starting at c.71; the reference has four copies in a row; one copy, 3 bases duplicated.
Protein change: p.Asp27dup; duplicates aspartic acid 27.
Molecular consequence: inframe insertion. On other transcripts: non-coding transcript variant (1).
Genome position (GRCh38, 1-based): chr19:50,398,931-50,398,933, ATG duplicated; duplicating any 3 consecutive bases within chr19:50,398,921-50,398,933 gives the same sequence; the position shown is the placement nearest the transcript's 3' end. VCF-style (leftmost placement, unchanged base first): chr19-50398920-G-GGAT. GRCh37 (hg19) VCF-style: chr19-50902177-G-GGAT.
Other names: c.71ATG[5], p.Asp27dup (NM_001256849.1, NM_001308632.1).
Identifiers: ClinVar variation 537054 (VCV000537054.13), dbSNP rs767241512, ClinGen allele CA633897654.